The following is an entry in ClinVar:

NM_001171.6(ABCC6):c.4245C>T (p.Ala1415=)

Gene: ABCC6 (ATP binding cassette subfamily C member 6; minus strand). Cytogenetic location: 16p13.11.
Variant type: single nucleotide variant.
Coding change: c.4245C>T on transcript NM_001171.6 (MANE Select); coding-DNA position 4245, C replaced by T.
Protein change: p.Ala1415=; no amino-acid change (alanine 1415 retained).
Molecular consequence: synonymous variant. On other transcripts: non-coding transcript variant (1).
Genome position (GRCh38, 1-based): chr16:16,150,736, G>A on the plus strand (C>T on the coding strand, the complement: ABCC6 is on the minus strand). VCF-style: chr16-16150736-G-A. GRCh37 (hg19) VCF-style: chr16-16244593-G-A.
Other names: c.3903C>T, p.Ala1301= (NM_001351800.1).
Identifiers: ClinVar variation 2646262 (VCV002646262.26), dbSNP rs749415846, ClinGen allele CA7925246.
Genomic context (GRCh38, chr16:16,150,736, plus strand): 5'-GCCAGGGTCCACGGCAGCAGTAGCCTCGTCCAGGATGAGGATCTGGGTCTTCCGGAGAAG[G>A]GCACGTGCCAGACACAGGAGCTGTTTCTGGCCCACGCTGGGAACGATTGGGACAATTAGC-3'
Protein context (NP_001162.5, residues 1405-1425): GQKQLLCLAR[Ala1415=]LLRKTQILIL

ClinVar aggregate classification (germline): Likely benign. Review status: criteria provided, multiple submitters, no conflicts (2 of 4 stars). 2 submissions from 2 submitters: Likely benign (2). Last evaluated 2024-10-21.

gnomAD v4.1: 3 of 1,613,870 alleles (0.00019%); highest among the groups gnomAD compares: Non-Finnish European, 0.00017%; no homozygotes.

Submissions (2):

Labcorp Genetics (formerly Invitae), Labcorp
Classification: Likely benign. Last evaluated: 2024-10-21. Review status: criteria provided, single submitter. Criteria: Invitae Variant Classification Sherloc (09022015). Collection method: clinical testing. Allele origin: germline.

CeGaT Center for Human Genetics Tuebingen
Classification: Likely benign. Last evaluated: 2022-04-01. Review status: criteria provided, single submitter. Criteria: CeGaT Center For Human Genetics Tuebingen Variant Classification Criteria Version 2. Collection method: clinical testing. Allele origin: germline. Affected: yes. Observed: 1 variant allele.
Comment: ABCC6: BP4, BP7